The following is an entry in ClinVar:

NM_014425.5(INVS):c.2888A>T (p.Gln963Leu)

Gene: INVS (inversin; plus strand). Cytogenetic location: 9q31.1.
Variant type: single nucleotide variant.
Coding change: c.2888A>T on transcript NM_014425.5 (MANE Select); coding-DNA position 2888, A replaced by T.
Protein change: p.Gln963Leu; replaces glutamine 963 with leucine.
Molecular consequence: missense variant. On other transcripts: non-coding transcript variant (1).
Genome position (GRCh38, 1-based): chr9:100,297,018, A>T. VCF-style: chr9-100297018-A-T. GRCh37 (hg19) VCF-style: chr9-103059300-A-T.
Other names: c.2600A>T, p.Gln867Leu (NM_001318381.2); c.1910A>T, p.Gln637Leu (NM_001318382.2); short protein forms Q867L, Q963L, Q637L.
Identifiers: ClinVar variation 1044318 (VCV001044318.7), dbSNP rs996350769, ClinGen allele CA196898112.
Genomic context (GRCh38, chr9:100,297,018, plus strand): 5'-AGCAGCTTGGAGCTGGAGATGTGGACAGATGGAGGCAAGAGTCTACAGCATTGCTCCTCC[A>T]GGTTTGGAGGAAGGAACTGGAACTAAAATTCCCCCAAACCACTGCAGTAAGCAAGGCCCC-3'
Protein context (NP_055240.2, residues 953-973): WRQESTALLL[Gln963Leu]VWRKELELKF

ClinVar aggregate classification (germline): Uncertain significance. Review status: criteria provided, multiple submitters, no conflicts (2 of 4 stars). 2 submissions from 2 submitters: Uncertain significance (2). Last evaluated 2022-06-17.

Conditions:
Infantile nephronophthisis (NPHP2). Also called: Nephronophthisis 2; Nephronophthisis 2, infantile. Identifiers: Orphanet 655, Orphanet 93591, MedGen C1865872, MONDO:0011190, OMIM 602088.
Nephronophthisis. Also called: Juvenile Nephronophthisis. Identifiers: Orphanet 655, MedGen C0687120, MONDO:0019005, HP:0000090.

Allele frequency attached by ClinVar (database versions not stated): gnomAD exomes below 0.00001; gnomAD 0.00001; TOPMed 0.00002.
gnomAD v4.1: 7 of 1,613,932 alleles (0.00043%); highest among the groups gnomAD compares: Non-Finnish European, 0.00059%; no homozygotes.

Submissions (2):

Labcorp Genetics (formerly Invitae), Labcorp
Classification: Uncertain significance for Nephronophthisis. Last evaluated: 2022-06-17. Review status: criteria provided, single submitter. Criteria: Invitae Variant Classification Sherloc (09022015). Collection method: clinical testing. Allele origin: germline.
Comment: This sequence change replaces glutamine, which is neutral and polar, with leucine, which is neutral and non-polar, at codon 963 of the INVS protein (p.Gln963Leu). This variant is not present in population databases (gnomAD no frequency). This variant has not been reported in the literature in individuals affected with INVS-related conditions. ClinVar contains an entry for this variant (Variation ID: 1044318). Algorithms developed to predict the effect of missense changes on protein structure and function are either unavailable or do not agree on the potential impact of this missense change (SIFT: "Deleterious"; PolyPhen-2: "Benign"; Align-GVGD: "Class C0"). Algorithms developed to predict the effect of sequence changes on RNA splicing suggest that this variant may disrupt the consensus splice site. In summary, the available evidence is currently insufficient to determine the role of this variant in disease. Therefore, it has been classified as a Variant of Uncertain Significance.

Fulgent Genetics
Classification: Uncertain significance for Infantile nephronophthisis. Last evaluated: 2021-08-10. Review status: criteria provided, single submitter. Criteria: ACMG Guidelines, 2015. Collection method: clinical testing. Allele origin: unknown.